The following is an entry in ClinVar:

ClinVar aggregate classification (germline): Uncertain significance (1 of 4 stars; one submission).

Conditions:
Early-infantile DEE. Also called: Ohtahara syndrome; Early infantile epileptic encephalopathy with suppression bursts; Early infantile epileptic encephalopathy. Identifiers: Orphanet 1934, MedGen C0393706, MONDO:0800491.

Submission:

Labcorp Genetics (formerly Invitae), Labcorp
Classification: Uncertain significance for Early-infantile DEE. Last evaluated: 2024-04-10. Review status: criteria provided, single submitter. Criteria: Invitae Variant Classification Sherloc (09022015). Collection method: clinical testing. Allele origin: germline.
Comment: This sequence change replaces proline, which is neutral and non-polar, with serine, which is neutral and polar, at codon 2427 of the SPTAN1 protein (p.Pro2427Ser). This variant is not present in population databases (gnomAD no frequency). This variant has not been reported in the literature in individuals affected with SPTAN1-related conditions. Advanced modeling of protein sequence and biophysical properties (such as structural, functional, and spatial information, amino acid conservation, physicochemical variation, residue mobility, and thermodynamic stability) has been performed at Invitae for this missense variant, however the output from this modeling did not meet the statistical confidence thresholds required to predict the impact of this variant on SPTAN1 protein function. In summary, the available evidence is currently insufficient to determine the role of this variant in disease. Therefore, it has been classified as a Variant of Uncertain Significance.

NM_001130438.3(SPTAN1):c.7279C>T (p.Pro2427Ser)

Gene: SPTAN1 (spectrin alpha, non-erythrocytic 1; plus strand). Cytogenetic location: 9q34.11.
Variant type: single nucleotide variant.
Coding change: c.7279C>T on transcript NM_001130438.3 (MANE Select); coding-DNA position 7279, C replaced by T.
Protein change: p.Pro2427Ser; replaces proline 2427 with serine.
Molecular consequence: missense variant.
Genome position (GRCh38, 1-based): chr9:128,632,926, C>T. VCF-style: chr9-128632926-C-T. GRCh37 (hg19) VCF-style: chr9-131395205-C-T.
Other names: c.7204C>T, p.Pro2402Ser (NM_001195532.2); c.7342C>T, p.Pro2448Ser (NM_001363759.2); c.7219C>T, p.Pro2407Ser (NM_001363765.2, NM_001375314.2); c.7366C>T, p.Pro2456Ser (NM_001375310.1); c.7279C>T, p.Pro2427Ser (NM_001375311.2); c.7315C>T, p.Pro2439Ser (NM_001375312.2); c.7261C>T, p.Pro2421Ser (NM_001375313.1); c.7378C>T, p.Pro2460Ser (NM_001375318.1); and 1 more; short protein forms P2421S, P2422S, P2427S, P2448S, P2402S, P2407S, P2439S, P2456S.
Identifiers: ClinVar variation 2867472 (VCV002867472.3), dbSNP rs2542398376, ClinGen allele CA375102777.
Genomic context (GRCh38, chr9:128,632,926, plus strand): 5'-AACGTCAAGTCCAGCGAGGAGATTGAGAGCGCCTTCCGGGCCCTCAGCTCAGAGGGAAAG[C>T]CTTACGTGACCAAGGAGGAGCTCTACCAGGTATGGGCCTCAGGAGGTGGGTGAAGAGGTG-3'
Protein context (NP_001123910.1, residues 2417-2437): AFRALSSEGK[Pro2427Ser]YVTKEELYQN